The following is an entry in ClinVar:

ClinVar aggregate classification (germline): Uncertain significance. Review status: criteria provided, multiple submitters, no conflicts (2 of 4 stars). 4 submissions from 4 submitters: Uncertain significance (3). 1 of the submissions does not count toward it. Last evaluated 2025-10-09.

Conditions:
Hyperinsulinemic hypoglycemia, familial, 1 (HHF1). Also called: HYPERINSULINISM, FAMILIAL, WITH PANCREATIC NESIDIOBLASTOSIS; HYPOGLYCEMIA, HYPERINSULINEMIC, OF INFANCY; Persistent hyperinsulinemic hypoglycemia of infancy; NESIDIOBLASTOSIS OF PANCREAS; Persistent Hyperinsulinemia Hypoglycemia of Infancy. Identifiers: Orphanet 276575, Orphanet 276598, MedGen C2931832, MONDO:0009734, OMIM 256450.
Diabetes mellitus, transient neonatal, 2 (TNDM2). Identifiers: Orphanet 99886, MedGen C1835887, MONDO:0012480, OMIM 610374. Disease mechanism: loss of function.
Diabetes mellitus, permanent neonatal 3. Also called: ABCC8-Related Permanent Neonatal Diabetes Mellitus. Identifiers: MedGen C5394303, MONDO:0030088, OMIM 618857.
Leucine-induced hypoglycemia (LIH). Also called: LEUCINE-SENSITIVE HYPOGLYCEMIA OF INFANCY. Identifiers: MedGen C0271714, MONDO:0009415, OMIM 240800.
Type 2 diabetes mellitus. Also called: Type II diabetes mellitus. Identifiers: MedGen C0011860, MeSH D003924, MONDO:0005148, OMIM 125853, HP:0005978.

Allele frequency attached by ClinVar (database versions not stated): ExAC 0.00002; gnomAD exomes 0.00002 and 0.00003; gnomAD 0.00003 and 0.00004; TOPMed 0.00003; ESP Exome Variant Server 0.00008.
gnomAD v4.1: 50 of 1,613,526 alleles (0.0031%); highest among the groups gnomAD compares: African/African-American, 0.004%; no homozygotes.

Submissions (4):

Labcorp Genetics (formerly Invitae), Labcorp
Classification: Uncertain significance. Last evaluated: 2025-10-09. Review status: criteria provided, single submitter. Criteria: Invitae Variant Classification Sherloc (09022015). Collection method: clinical testing. Allele origin: germline.
Comment: This sequence change replaces arginine, which is basic and polar, with histidine, which is basic and polar, at codon 1313 of the ABCC8 protein (p.Arg1313His). This variant is present in population databases (rs372153432, gnomAD 0.008%). This missense change has been observed in individual(s) with autosomal dominant neonatal diabetes mellitus (PMID: 17919176). This variant is also known as R1314H. ClinVar contains an entry for this variant (Variation ID: 554962). Invitae Evidence Modeling of protein sequence and biophysical properties (such as structural, functional, and spatial information, amino acid conservation, physicochemical variation, residue mobility, and thermodynamic stability) indicates that this missense variant is expected to disrupt ABCC8 protein function with a positive predictive value of 95%. Experimental studies have shown that this missense change affects ABCC8 function (PMID: 30354297). In summary, the available evidence is currently insufficient to determine the role of this variant in disease. Therefore, it has been classified as a Variant of Uncertain Significance.

Fulgent Genetics
Classification: Uncertain significance for Type 2 diabetes mellitus; Leucine-induced hypoglycemia; Hyperinsulinemic hypoglycemia, familial, 1; Diabetes mellitus, transient neonatal, 2; Diabetes mellitus, permanent neonatal 3. Last evaluated: 2024-04-09. Review status: criteria provided, single submitter. Criteria: ACMG Guidelines, 2015. Collection method: clinical testing. Allele origin: germline.

Women's Health and Genetics/Laboratory Corporation of America, LabCorp
Classification: Uncertain significance. Last evaluated: 2023-11-07. Review status: criteria provided, single submitter. Criteria: LabCorp Variant Classification Summary - May 2015. Collection method: clinical testing. Allele origin: germline.
Comment: Variant summary: ABCC8 c.3938G>A (p.Arg1313His) results in a non-conservative amino acid change located in the ABC transporter type 1, transmembrane domain (IPR011527) of the encoded protein sequence. Five of five in-silico tools predict a damaging effect of the variant on protein function. The variant allele was found at a frequency of 2e-05 in 250956 control chromosomes. The available data on variant occurrences in the general population are insufficient to allow any conclusion about variant significance. c.3938G>A, described as R1314H, has been reported in the literature in at-least one individual affected with transient neonatal diabetes mellitus, the carrier father was however unaffected (Patch_2007). This variant was also reported in two individuals with Pulmonary arterial hypertension and paroxysmal atrial fibrillation, respectively, neither of which has shown a strong evidence for causality (Bohnen_2018, Puertas_2018). These report(s) do not provide unequivocal conclusions about association of the variant with Familial Hyperinsulinism. At least one publication reports experimental evidence evaluating an impact on protein function. The most pronounced variant effect results in reduced SUR1-dependent currents (about 25% of the WT control) and impaired pharmacological recovery of the Potassium channel by Diazoxide using Whole-cell voltage clamp in COS7 cells (Bohnen_2018). The following publications have been ascertained in the context of this evaluation (PMID: 30354297, 17919176, 30276209). Two submitters have cited clinical-significance assessments for this variant to ClinVar after 2014. Both submitters classified the variant as uncertain significance. Based on the evidence outlined above, the variant was classified as uncertain significance.

Counsyl
Classification: Uncertain significance for Hyperinsulinemic hypoglycemia, familial, 1. Last evaluated: 2017-11-09. Review status: no assertion criteria provided. Collection method: clinical testing. Allele origin: unknown. Not counted in ClinVar's aggregate classification.

Literature cited by the submitters: PubMed 17919176 (cited by 3 submitters); PubMed 30354297 (cited by Labcorp Genetics (formerly Invitae), Labcorp and Women's Health and Genetics/Laboratory Corporation of America, LabCorp); PubMed 30276209 (cited by Women's Health and Genetics/Laboratory Corporation of America, LabCorp); PubMed 28529015 (cited by Counsyl).

NM_000352.6(ABCC8):c.3938G>A (p.Arg1313His)

Gene: ABCC8 (ATP binding cassette subfamily C member 8; minus strand). Cytogenetic location: 11p15.1.
Variant type: single nucleotide variant.
Coding change: c.3938G>A on transcript NM_000352.6 (MANE Select); coding-DNA position 3938, G replaced by A.
Protein change: p.Arg1313His; replaces arginine 1313 with histidine.
Molecular consequence: missense variant. On other transcripts: non-coding transcript variant (1).
Genome position (GRCh38, 1-based): chr11:17,397,243, C>T on the plus strand (G>A on the coding strand, the complement: ABCC8 is on the minus strand). VCF-style: chr11-17397243-C-T. GRCh37 (hg19) VCF-style: chr11-17418790-C-T.
Other names: c.3941G>A, p.Arg1314His (NM_001287174.3); c.4004G>A, p.Arg1335His (NM_001351295.2); c.3938G>A, p.Arg1313His (NM_001351296.2); c.3935G>A, p.Arg1312His (NM_001351297.2); short protein forms R1314H, R1313H, R1312H, R1335H.
Identifiers: ClinVar variation 554962 (VCV000554962.6), dbSNP rs372153432, ClinGen allele CA5902643.
Genomic context (GRCh38, chr11:17,397,243, plus strand): 5'-AGCCTCTCACCCAGGAGCCCCTCGTAGCTCTCTGCCTCGGTTTTCAGGAGCCCATGGATG[C>T]GCTTCACAGCCCCCAGCTGGAGCTCCATGTCTGCCAGGTTCCTCACCATCCAGTTGAGGT-3'
Protein context (NP_000343.2, residues 1303-1323): DMELQLGAVK[Arg1313His]IHGLLKTEAE